The following is an entry in ClinVar:

NM_020529.3(NFKBIA):c.903C>T (p.Asp301=)

Gene: NFKBIA (NFKB inhibitor alpha; minus strand). Cytogenetic location: 14q13.2.
Variant type: single nucleotide variant.
Coding change: c.903C>T on transcript NM_020529.3 (MANE Select); coding-DNA position 903, C replaced by T.
Protein change: p.Asp301=; no amino-acid change (aspartic acid 301 retained).
Molecular consequence: synonymous variant.
Genome position (GRCh38, 1-based): chr14:35,402,397, G>A on the plus strand (C>T on the coding strand, the complement: NFKBIA is on the minus strand). VCF-style: chr14-35402397-G-A. GRCh37 (hg19) VCF-style: chr14-35871603-G-A.
Identifiers: ClinVar variation 742722 (VCV000742722.15), dbSNP rs146132589, ClinGen allele CA7155339.
Genomic context (GRCh38, chr14:35,402,397, plus strand): 5'-AGGGTGAAGGGAATGGCACCTCATTAGTTAGAGCGCCGAAGGAGTTCACAGACTCACCTC[G>A]TCCTCTGTGAACTCCGTGAACTCTGACTCTGTGTCATAGCTCTCCTCATCCTCACTCTCT-3'
Protein context (NP_065390.1, residues 291-311): TESEFTEFTE[Asp301=]ELPYDDCVFG

ClinVar aggregate classification (germline): Benign/Likely benign. Review status: criteria provided, multiple submitters, no conflicts (2 of 4 stars). 4 submissions from 4 submitters: Benign (1); Likely benign (2). 1 of the submissions does not count toward it. Last evaluated 2026-02-01.

Conditions:
NFKBIA-related disorder. Also called: NFKBIA-related condition.
Ectodermal dysplasia and immunodeficiency 2. Identifiers: Orphanet 238468, Orphanet 98813, MedGen C2677481, MONDO:0012806, OMIM 612132.

Allele frequency attached by ClinVar (database versions not stated): 1000 Genomes Project 30x 0.00016; ExAC 0.00019; 1000 Genomes Project 0.00020; gnomAD 0.00050 and 0.00052; ESP Exome Variant Server 0.00069; TOPMed 0.00071.
gnomAD v4.1: 170 of 1,614,130 alleles (0.011%); highest among the groups gnomAD compares: African/African-American, 0.11%; no homozygotes.

Submissions (4):

Labcorp Genetics (formerly Invitae), Labcorp
Classification: Benign for Ectodermal dysplasia and immunodeficiency 2. Last evaluated: 2026-02-01. Review status: criteria provided, single submitter. Criteria: Invitae Variant Classification Sherloc (09022015). Collection method: clinical testing. Allele origin: germline.

Women's Health and Genetics/Laboratory Corporation of America, LabCorp
Classification: Likely benign. Last evaluated: 2026-01-23. Review status: criteria provided, single submitter. Criteria: LabCorp Variant Classification Summary - May 2015. Collection method: clinical testing. Allele origin: germline.

Blueprint Genetics
Classification: Likely benign. Last evaluated: 2021-09-20. Review status: criteria provided, single submitter. Criteria: ACMG Guidelines, 2015. Collection method: clinical testing. Allele origin: germline.

PreventionGenetics, part of Exact Sciences
Classification: Likely benign for NFKBIA-related condition. Last evaluated: 2019-08-16. Review status: no assertion criteria provided. Collection method: clinical testing. Allele origin: germline. Not counted in ClinVar's aggregate classification.
Comment: This variant is classified as likely benign based on ACMG/AMP sequence variant interpretation guidelines (Richards et al. 2015 PMID: 25741868, with internal and published modifications).